The following is an entry in ClinVar:

NM_000453.3(SLC5A5):c.816C>A (p.Cys272Ter)

Gene: SLC5A5 (solute carrier family 5 member 5; plus strand). Cytogenetic location: 19p13.11.
Variant type: single nucleotide variant.
Coding change: c.816C>A on transcript NM_000453.3 (MANE Select); coding-DNA position 816, C replaced by A.
Protein change: p.Cys272Ter; replaces cysteine 272 with a stop codon.
Molecular consequence: nonsense.
Genome position (GRCh38, 1-based): chr19:17,877,840, C>A. VCF-style: chr19-17877840-C-A. GRCh37 (hg19) VCF-style: chr19-17988649-C-A.
Other names: short protein forms C272*.
Identifiers: ClinVar variation 7665 (VCV000007665.5), dbSNP rs121909175, ClinGen allele CA118964.
Genomic context (GRCh38, chr19:17,877,840, plus strand): 5'-GTTGGTGTGGCTCTCCATGTATGGCGTGAACCAGGCGCAGGTGCAGCGCTACGTGGCTTG[C>A]CGCACAGAGAAGCAGGCCAAGCTGTGAGTGTTTCGGGGAGCAAGGTCGGGGTTTCTGGGA-3'

ClinVar aggregate classification (germline): Pathogenic. Review status: criteria provided, single submitter (1 of 4 stars). 2 submissions from 2 submitters: Pathogenic (1). 1 of the submissions does not count toward it. Last evaluated 2023-09-06.

Conditions:
Thyroid dyshormonogenesis 1. Also called: HYPOTHYROIDISM, CONGENITAL, DUE TO DYSHORMONOGENESIS, 1; IODINE ACCUMULATION, TRANSPORT, OR TRAPPING DEFECT; THYROID HORMONOGENESIS, GENETIC DEFECT IN, 1; Familial thyroid dyshormonogenesis 1. Identifiers: Orphanet 95716, MedGen C1848805, MONDO:0020716, OMIM 274400.

Allele frequency attached by ClinVar (database versions not stated): gnomAD 0.00001; TOPMed 0.00001.
gnomAD v4.1: 2 of 1,614,108 alleles (0.00012%); highest among the groups gnomAD compares: East Asian, 0.0022%; no homozygotes.

Submissions (2):

Labcorp Genetics (formerly Invitae), Labcorp
Classification: Pathogenic. Last evaluated: 2023-09-06. Review status: criteria provided, single submitter. Criteria: Invitae Variant Classification Sherloc (09022015). Collection method: clinical testing. Allele origin: germline.
Comment: For these reasons, this variant has been classified as Pathogenic. ClinVar contains an entry for this variant (Variation ID: 7665). This premature translational stop signal has been observed in individual(s) with congenital hypothyroidism (PMID: 9388506). This variant is not present in population databases (gnomAD no frequency). This sequence change creates a premature translational stop signal (p.Cys272*) in the SLC5A5 gene. It is expected to result in an absent or disrupted protein product. Loss-of-function variants in SLC5A5 are known to be pathogenic (PMID: 9388506, 9486973).

OMIM
Classification: Pathogenic for THYROID DYSHORMONOGENESIS 1. Last evaluated: 1997-11-17. Review status: no assertion criteria provided. Collection method: literature only. Allele origin: germline. Not counted in ClinVar's aggregate classification.

Literature cited by the submitters: PubMed 9388506 (cited by Labcorp Genetics (formerly Invitae), Labcorp and OMIM); PubMed 9486973 (cited by Labcorp Genetics (formerly Invitae), Labcorp).